The following is an entry in ClinVar:

ClinVar aggregate classification (germline): Uncertain significance. Review status: criteria provided, multiple submitters, no conflicts (2 of 4 stars). 2 submissions from 2 submitters: Uncertain significance (2). Last evaluated 2025-08-10.

Conditions:
Inborn genetic diseases. Identifiers: MedGen C0950123, MeSH D030342.

Allele frequency attached by ClinVar (database versions not stated): ExAC 0.00001; gnomAD exomes 0.00001; gnomAD 0.00002; TOPMed 0.00002.
gnomAD v4.1: 19 of 1,613,130 alleles (0.0012%); highest among the groups gnomAD compares: Admixed American, 0.0017%; no homozygotes.

Submissions (2):

Labcorp Genetics (formerly Invitae), Labcorp
Classification: Uncertain significance. Last evaluated: 2025-08-10. Review status: criteria provided, single submitter. Criteria: Invitae Variant Classification Sherloc (09022015). Collection method: clinical testing. Allele origin: germline.
Comment: This sequence change replaces glutamic acid, which is acidic and polar, with alanine, which is neutral and non-polar, at codon 243 of the CAPN1 protein (p.Glu243Ala). This variant is present in population databases (rs776818049, gnomAD 0.003%). This variant has not been reported in the literature in individuals affected with CAPN1-related conditions. ClinVar contains an entry for this variant (Variation ID: 2466872). Invitae Evidence Modeling of protein sequence and biophysical properties (such as structural, functional, and spatial information, amino acid conservation, physicochemical variation, residue mobility, and thermodynamic stability) indicates that this missense variant is not expected to disrupt CAPN1 protein function with a negative predictive value of 80%. In summary, the available evidence is currently insufficient to determine the role of this variant in disease. Therefore, it has been classified as a Variant of Uncertain Significance.

Ambry Genetics
Classification: Uncertain significance for Inborn genetic diseases. Last evaluated: 2023-02-14. Review status: criteria provided, single submitter. Criteria: Ambry Variant Classification Scheme 2023. Collection method: clinical testing. Allele origin: germline.

NM_005186.4(CAPN1):c.728A>C (p.Glu243Ala)

Gene: CAPN1 (calpain 1; plus strand). Cytogenetic location: 11q13.1.
Variant type: single nucleotide variant.
Coding change: c.728A>C on transcript NM_005186.4 (MANE Select); coding-DNA position 728, A replaced by C.
Protein change: p.Glu243Ala; replaces glutamic acid 243 with alanine.
Molecular consequence: missense variant. On other transcripts: non-coding transcript variant (1).
Genome position (GRCh38, 1-based): chr11:65,186,307, A>C. VCF-style: chr11-65186307-A-C. GRCh37 (hg19) VCF-style: chr11-64953778-A-C.
Other names: c.728A>C, p.Glu243Ala (NM_001198868.2, NM_001198869.2); c.566A>C, p.Glu189Ala (NM_001198870.1); short protein forms E243A, E189A.
Identifiers: ClinVar variation 2466872 (VCV002466872.3), dbSNP rs776818049, ClinGen allele CA6093160.
Genomic context (GRCh38, chr11:65,186,307, plus strand): 5'-AGTGGTACGAGTTGCGCAAGGCTCCCAGTGACCTCTACCAGATCATCCTCAAGGCGCTGG[A>C]GCGGGGCTCCCTGCTGGGCTGCTCCATAGACGTGAGTGTGCCCGGCCCCGATGCTTTGGT-3'
Protein context (NP_005177.2, residues 233-253): DLYQIILKAL[Glu243Ala]RGSLLGCSID